The following is an entry in ClinVar:

NM_014795.4(ZEB2):c.1640C>G (p.Ser547Ter)

Gene: ZEB2 (zinc finger E-box binding homeobox 2; minus strand). Cytogenetic location: 2q22.3.
Variant type: single nucleotide variant.
Coding change: c.1640C>G on transcript NM_014795.4 (MANE Select); coding-DNA position 1640, C replaced by G.
Protein change: p.Ser547Ter; replaces serine 547 with a stop codon.
Molecular consequence: nonsense.
Genome position (GRCh38, 1-based): chr2:144,399,547, G>C on the plus strand (C>G on the coding strand, the complement: ZEB2 is on the minus strand). VCF-style: chr2-144399547-G-C. GRCh37 (hg19) VCF-style: chr2-145157114-G-C.
Other names: c.1568C>G, p.Ser523Ter (NM_001171653.2); short protein forms S547*, S523*.
Identifiers: ClinVar variation 817511 (VCV000817511.2), dbSNP rs1573716795, ClinGen allele CA348710559.

ClinVar aggregate classification (germline): Pathogenic (1 of 4 stars; one submission).

Submission:

GeneDx
Classification: Pathogenic. Last evaluated: 2025-11-03. Review status: criteria provided, single submitter. Criteria: GeneDx Variant Classification Process June 2021. Collection method: clinical testing. Allele origin: germline. Affected: yes.
Comment: Nonsense variant predicted to result in protein truncation or nonsense mediated decay in a gene for which loss of function is a known mechanism of disease; Not observed at significant frequency in large population cohorts (gnomAD); This variant is associated with the following publications: (PMID: 17203459, 16053902, 25525159, 25608121)